The following is an entry in ClinVar:

NM_006231.4(POLE):c.4745C>T (p.Pro1582Leu)

Gene: POLE (DNA polymerase epsilon, catalytic subunit; minus strand). Cytogenetic location: 12q24.33.
Variant type: single nucleotide variant.
Coding change: c.4745C>T on transcript NM_006231.4 (MANE Select); coding-DNA position 4745, C replaced by T.
Protein change: p.Pro1582Leu; replaces proline 1582 with leucine.
Molecular consequence: missense variant.
Genome position (GRCh38, 1-based): chr12:132,642,713, G>A on the plus strand (C>T on the coding strand, the complement: POLE is on the minus strand). VCF-style: chr12-132642713-G-A. GRCh37 (hg19) VCF-style: chr12-133219299-G-A.
Other names: short protein forms P1582L.
Identifiers: ClinVar variation 862089 (VCV000862089.9), dbSNP rs1555222617, ClinGen allele CA387378527.

ClinVar aggregate classification (germline): Uncertain significance (1 of 4 stars; one submission).

Submission:

Labcorp Genetics (formerly Invitae), Labcorp
Classification: Uncertain significance. Last evaluated: 2023-12-06. Review status: criteria provided, single submitter. Criteria: Invitae Variant Classification Sherloc (09022015). Collection method: clinical testing. Allele origin: germline.
Comment: This sequence change replaces proline, which is neutral and non-polar, with leucine, which is neutral and non-polar, at codon 1582 of the POLE protein (p.Pro1582Leu). This variant is not present in population databases (gnomAD no frequency). This variant has not been reported in the literature in individuals affected with POLE-related conditions. ClinVar contains an entry for this variant (Variation ID: 862089). Advanced modeling of protein sequence and biophysical properties (such as structural, functional, and spatial information, amino acid conservation, physicochemical variation, residue mobility, and thermodynamic stability) performed at Invitae indicates that this missense variant is not expected to disrupt POLE protein function with a negative predictive value of 80%. In summary, the available evidence is currently insufficient to determine the role of this variant in disease. Therefore, it has been classified as a Variant of Uncertain Significance.